The following is an entry in ClinVar:

NM_001367949.2(FAT3):c.10473A>G (p.Glu3491=)

Gene: FAT3 (FAT atypical cadherin 3; plus strand). Cytogenetic location: 11q14.3.
Variant type: single nucleotide variant.
Coding change: c.10473A>G on transcript NM_001367949.2 (MANE Select); coding-DNA position 10473, A replaced by G.
Protein change: p.Glu3491=; no amino-acid change (glutamic acid 3491 retained).
Molecular consequence: synonymous variant.
Genome position (GRCh38, 1-based): chr11:92,840,666, A>G. VCF-style: chr11-92840666-A-G. GRCh37 (hg19) VCF-style: chr11-92573832-A-G.
Other names: c.10473A>G, p.Glu3491= (NM_001008781.3).
Identifiers: ClinVar variation 785375 (VCV000785375.6), dbSNP rs191309466, ClinGen allele CA6228101.

ClinVar aggregate classification (germline): Benign. Review status: criteria provided, multiple submitters, no conflicts (2 of 4 stars). 3 submissions from 3 submitters: Benign (2). 1 of the submissions does not count toward it. Last evaluated 2018-05-08.

Conditions:
FAT3-related disorder. Also called: FAT3-related condition.

Allele frequency attached by ClinVar (database versions not stated): ExAC 0.00147; gnomAD exomes 0.00047 and 0.00122; 1000 Genomes Project 0.00499; gnomAD 0.00486 and 0.00448; ESP Exome Variant Server 0.00567; TOPMed 0.00513; 1000 Genomes Project 30x 0.00562.
gnomAD v4.1: 1,390 of 1,613,266 alleles (0.086%); highest among the groups gnomAD compares: African/African-American, 1.6%; 11 homozygotes.

Submissions (3):

Labcorp Genetics (formerly Invitae), Labcorp
Classification: Benign. Last evaluated: 2018-05-08. Review status: criteria provided, single submitter. Criteria: Invitae Variant Classification Sherloc (09022015). Collection method: clinical testing. Allele origin: germline.

Breakthrough Genomics
Classification: Benign. Review status: criteria provided, single submitter. Criteria: ACMG Guidelines, 2015. Collection method: not provided. Allele origin: germline. Inheritance: Unknown mechanism. Affected: yes.

PreventionGenetics, part of Exact Sciences
Classification: Benign for FAT3-related condition. Last evaluated: 2019-05-02. Review status: no assertion criteria provided. Collection method: clinical testing. Allele origin: germline. Not counted in ClinVar's aggregate classification.
Comment: This variant is classified as benign based on ACMG/AMP sequence variant interpretation guidelines (Richards et al. 2015 PMID: 25741868, with internal and published modifications).